The following is an entry in ClinVar:

NM_201384.3(PLEC):c.2143G>A (p.Glu715Lys)

Gene: PLEC (plectin; minus strand). Cytogenetic location: 8q24.3.
Variant type: single nucleotide variant.
Coding change: c.2143G>A on transcript NM_201384.3 (MANE Select); coding-DNA position 2143, G replaced by A.
Protein change: p.Glu715Lys; replaces glutamic acid 715 with lysine.
Molecular consequence: missense variant.
Genome position (GRCh38, 1-based): chr8:143,931,972, C>T on the plus strand (G>A on the coding strand, the complement: PLEC is on the minus strand). VCF-style: chr8-143931972-C-T. GRCh37 (hg19) VCF-style: chr8-145006140-C-T.
Other names: c.2224G>A, p.Glu742Lys (NM_000445.5); c.2101G>A, p.Glu701Lys (NM_201378.4); c.2077G>A, p.Glu693Lys (NM_201379.3); c.2554G>A, p.Glu852Lys (NM_201380.4); c.2047G>A, p.Glu683Lys (NM_201381.3); c.2143G>A, p.Glu715Lys (NM_201382.4); c.2155G>A, p.Glu719Lys (NM_201383.3); c.2224G>A (NM_000445.4, NM_000445.3); short protein forms E742K, E852K, E693K, E715K, E683K, E701K, E719K.
Identifiers: ClinVar variation 1494483 (VCV001494483.10), dbSNP rs369024560, ClinGen allele CA4927640.

ClinVar aggregate classification (germline): Uncertain significance. Review status: criteria provided, multiple submitters, no conflicts (2 of 4 stars). 3 submissions from 3 submitters: Uncertain significance (3). Last evaluated 2026-04-25.

Conditions:
PLEC-related disorder. Also called: PLEC-related condition; PLEC-related disorders.
Epidermolysis bullosa simplex 5C, with pyloric atresia (EBS5C). Also called: PLEC-Related Epidermolysis Bullosa with Pyloric Atresia; Epidermolysis bullosa simplex with pyloric atresia; PLEC1-Related Epidermolysis Bullosa with Pyloric Atresia. Identifiers: Orphanet 158684, MedGen C2677349, MONDO:0012807, OMIM 612138.
Epidermolysis bullosa simplex 5B, with muscular dystrophy (EBS5B). Also called: Epidermolysis bullosa simplex with muscular dystrophy; EPIDERMOLYSIS BULLOSA SIMPLEX AND LIMB-GIRDLE MUSCULAR DYSTROPHY. Identifiers: Orphanet 257, MedGen C2931072, MONDO:0009181, OMIM 226670.
Epidermolysis bullosa simplex, Ogna type (EBS5A). Also called: Pidermolysis bullosa simplex 5A, Ogna type; EPIDERMOLYSIS BULLOSA SIMPLEX 5A, OGNA TYPE. Identifiers: Orphanet 79401, MedGen C0432317, MONDO:0007555, OMIM 131950.
Epidermolysis bullosa simplex with nail dystrophy (EBS5D). Identifiers: MedGen C4225309, MONDO:0014661, OMIM 616487.
Autosomal recessive limb-girdle muscular dystrophy type 2Q (LGMDR17). Also called: MUSCULAR DYSTROPHY, LIMB-GIRDLE, AUTOSOMAL RECESSIVE 17. Identifiers: Orphanet 254361, MedGen C3150989, MONDO:0013390, OMIM 613723.
Inborn genetic diseases. Identifiers: MedGen C0950123, MeSH D030342.

Allele frequency attached by ClinVar (database versions not stated): ExAC 0.00001; gnomAD 0.00001; gnomAD exomes 0.00001; TOPMed 0.00003; ESP Exome Variant Server 0.00008.
gnomAD v4.1: 10 of 1,607,676 alleles (0.00062%); highest among the groups gnomAD compares: South Asian, 0.0022%; no homozygotes.

Submissions (3):

PreventionGenetics, part of Exact Sciences
Classification: Uncertain significance for PLEC-related condition. Last evaluated: 2026-04-25. Review status: criteria provided, single submitter. Criteria: ACMG Guidelines, 2015. Collection method: clinical testing. Allele origin: germline.
Comment: The PLEC c.2224G>A variant is predicted to result in the amino acid substitution p.Glu742Lys. To our knowledge, this variant has not been reported in the literature. This variant is reported in 0.0034% of alleles in individuals of South Asian descent in gnomAD. At this time, the clinical significance of this variant is uncertain due to the absence of conclusive functional and genetic evidence.

Ambry Genetics
Classification: Uncertain significance for Inborn genetic diseases. Last evaluated: 2025-02-07. Review status: criteria provided, single submitter. Criteria: Ambry Variant Classification Scheme 2023. Collection method: clinical testing. Allele origin: germline.

Labcorp Genetics (formerly Invitae), Labcorp
Classification: Uncertain significance for Autosomal recessive limb-girdle muscular dystrophy type 2Q; Epidermolysis bullosa simplex, Ogna type; Epidermolysis bullosa simplex with nail dystrophy; Epidermolysis bullosa simplex 5C, with pyloric atresia; Epidermolysis bullosa simplex 5B, with muscular dystrophy. Last evaluated: 2022-07-05. Review status: criteria provided, single submitter. Criteria: Invitae Variant Classification Sherloc (09022015). Collection method: clinical testing. Allele origin: germline.
Comment: In summary, the available evidence is currently insufficient to determine the role of this variant in disease. Therefore, it has been classified as a Variant of Uncertain Significance. Algorithms developed to predict the effect of missense changes on protein structure and function are either unavailable or do not agree on the potential impact of this missense change (SIFT: "Deleterious"; PolyPhen-2: "Not Available"; Align-GVGD: "Class C55"). ClinVar contains an entry for this variant (Variation ID: 1494483). This variant has not been reported in the literature in individuals affected with PLEC-related conditions. This variant is present in population databases (rs369024560, gnomAD 0.004%). This sequence change replaces glutamic acid, which is acidic and polar, with lysine, which is basic and polar, at codon 742 of the PLEC protein (p.Glu742Lys).